The following is an entry in ClinVar:

NM_000352.6(ABCC8):c.103C>T (p.Pro35Ser)

Gene: ABCC8 (ATP binding cassette subfamily C member 8; minus strand). Cytogenetic location: 11p15.1.
Variant type: single nucleotide variant.
Coding change: c.103C>T on transcript NM_000352.6 (MANE Select); coding-DNA position 103, C replaced by T.
Protein change: p.Pro35Ser; replaces proline 35 with serine.
Molecular consequence: missense variant. On other transcripts: non-coding transcript variant (1).
Genome position (GRCh38, 1-based): chr11:17,476,674, G>A on the plus strand (C>T on the coding strand, the complement: ABCC8 is on the minus strand). VCF-style: chr11-17476674-G-A. GRCh37 (hg19) VCF-style: chr11-17498221-G-A.
Other names: c.103C>T, p.Pro35Ser (NM_001351297.2, NM_001287174.3, NM_001351295.2 and 1 more transcripts); c.103C>T (NM_000352.4); short protein forms P35S.
Identifiers: ClinVar variation 551713 (VCV000551713.9), dbSNP rs1183465672, ClinGen allele CA379789992.

ClinVar aggregate classification (germline): Uncertain significance. Review status: criteria provided, multiple submitters, no conflicts (2 of 4 stars). 5 submissions from 4 submitters: Uncertain significance (3). 2 of the submissions do not count toward it. Last evaluated 2022-05-20.

Conditions:
Hereditary hyperinsulinism.
Transitory neonatal diabetes mellitus. Also called: Transient neonatal diabetes mellitus. Identifiers: MedGen C0342273, MONDO:0020525, HP:0008255.
Maturity-onset diabetes of the young (MODY). Also called: Maturity onset diabetes mellitus in young. Identifiers: Orphanet 552, MedGen C0342276, MONDO:0018911, HP:0004904.
Hyperinsulinemic hypoglycemia, familial, 1 (HHF1). Also called: Persistent hyperinsulinemic hypoglycemia of infancy; HYPERINSULINISM, FAMILIAL, WITH PANCREATIC NESIDIOBLASTOSIS; HYPOGLYCEMIA, HYPERINSULINEMIC, OF INFANCY; NESIDIOBLASTOSIS OF PANCREAS; Persistent Hyperinsulinemia Hypoglycemia of Infancy. Identifiers: Orphanet 276575, Orphanet 276598, MedGen C2931832, MONDO:0009734, OMIM 256450.

Allele frequency attached by ClinVar (database versions not stated): gnomAD exomes below 0.00001; TOPMed below 0.00001; gnomAD 0.00001.
gnomAD v4.1: 2 of 1,612,120 alleles (0.00012%); highest among the groups gnomAD compares: East Asian, 0.0022%; no homozygotes.

Submissions (5):

Labcorp Genetics (formerly Invitae), Labcorp
Classification: Uncertain significance. Last evaluated: 2022-05-20. Review status: criteria provided, single submitter. Criteria: Invitae Variant Classification Sherloc (09022015). Collection method: clinical testing. Allele origin: germline.
Comment: This sequence change replaces proline, which is neutral and non-polar, with serine, which is neutral and polar, at codon 35 of the ABCC8 protein (p.Pro35Ser). This variant is not present in population databases (gnomAD no frequency). In summary, the available evidence is currently insufficient to determine the role of this variant in disease. Therefore, it has been classified as a Variant of Uncertain Significance. Advanced modeling of protein sequence and biophysical properties (such as structural, functional, and spatial information, amino acid conservation, physicochemical variation, residue mobility, and thermodynamic stability) performed at Invitae indicates that this missense variant is expected to disrupt ABCC8 protein function. ClinVar contains an entry for this variant (Variation ID: 551713). This variant has not been reported in the literature in individuals affected with ABCC8-related conditions.

Clinical Genomics, Uppaluri K&H Personalized Medicine Clinic
Classification: Uncertain significance for Maturity-onset diabetes of the young. Review status: criteria provided, single submitter. Criteria: K & H Uppaluri Personalized Medicine Clinic Variant Classification & Assertion Criteria_Updated V.1. Collection method: research. Allele origin: unknown. Inheritance: Somatic mutation.
Comment: Mutations in ABCC8 gene are associated with both neonatal diabetes mellitus as well as MODY. Patients with this mutation may have a better response to sulfonylureas. However, no sufficient evidence is found to ascertain the role of this particular variant ( rs1183465672) in MODY yet.

Clinical Genomics, Uppaluri K&H Personalized Medicine Clinic
Classification: Uncertain significance for Transitory neonatal diabetes mellitus. Review status: criteria provided, single submitter. Criteria: K & H Uppaluri Personalized Medicine Clinic Variant Classification & Assertion Criteria_Updated V.1. Collection method: research. Allele origin: unknown. Inheritance: Somatic mutation.
Comment: Mutations in ABCC8 gene are associated with both neonatal diabetes mellitus as well as MODY. Patients with this mutation may have a better response to sulfonylureas. However, no sufficient evidence is found to ascertain the role of this particular variant ( rs1183465672) in neonatal diabetes yet.

Natera, Inc.
Classification: Uncertain significance for Hereditary hyperinsulinism. Last evaluated: 2025-02-11. Review status: no assertion criteria provided. Collection method: clinical testing. Allele origin: germline. Not counted in ClinVar's aggregate classification.

Counsyl
Classification: Uncertain significance for Hyperinsulinemic hypoglycemia, familial, 1. Last evaluated: 2017-05-04. Review status: no assertion criteria provided. Collection method: clinical testing. Allele origin: unknown. Not counted in ClinVar's aggregate classification.

Literature cited by the submitters: PubMed 16885549 (cited by Clinical Genomics, Uppaluri K&H Personalized Medicine Clinic); PubMed 21989597 (cited by Clinical Genomics, Uppaluri K&H Personalized Medicine Clinic); PubMed 27538677 (cited by Clinical Genomics, Uppaluri K&H Personalized Medicine Clinic); PubMed 18981553 (cited by Clinical Genomics, Uppaluri K&H Personalized Medicine Clinic); PubMed 32027066 (cited by Clinical Genomics, Uppaluri K&H Personalized Medicine Clinic); PubMed 16613899 (cited by Clinical Genomics, Uppaluri K&H Personalized Medicine Clinic); PubMed 18025408 (cited by Clinical Genomics, Uppaluri K&H Personalized Medicine Clinic); PubMed 32792356 (cited by Clinical Genomics, Uppaluri K&H Personalized Medicine Clinic).